The following is an entry in ClinVar:

NM_181534.4(KRT25):c.664A>G (p.Lys222Glu)

Gene: KRT25 (keratin 25; minus strand). Cytogenetic location: 17q21.2.
Variant type: single nucleotide variant.
Coding change: c.664A>G on transcript NM_181534.4 (MANE Select); coding-DNA position 664, A replaced by G.
Protein change: p.Lys222Glu; replaces lysine 222 with glutamic acid.
Molecular consequence: missense variant.
Genome position (GRCh38, 1-based): chr17:40,753,865, T>C on the plus strand (A>G on the coding strand, the complement: KRT25 is on the minus strand). VCF-style: chr17-40753865-T-C. GRCh37 (hg19) VCF-style: chr17-38910117-T-C.
Other names: short protein forms K222E.
Identifiers: ClinVar variation 4704996 (VCV004704996.1).
Genomic context (GRCh38, chr17:40,753,865, plus strand): 5'-GTCAGGTGCACAGTGTCTGCGGAGGGATAGCAAAATGTAGACGACCAGCTCTTACCTCTT[T>C]ATGGTTCTTTTTGAGGTAAGTCATCTCCTCACTCAGGGTTTCATACTGAATCTCCAGATC-3'
Protein context (NP_853512.1, residues 212-232): EEMTYLKKNH[Lys222Glu]EEMQVLQCAA

ClinVar aggregate classification (germline): Uncertain significance (1 of 4 stars; one submission).

gnomAD v4.1: 21 of 1,613,852 alleles (0.0013%); highest among the groups gnomAD compares: East Asian, 0.0022%; no homozygotes.

Submission:

Labcorp Genetics (formerly Invitae), Labcorp
Classification: Uncertain significance. Last evaluated: 2025-11-04. Review status: criteria provided, single submitter. Criteria: Invitae Variant Classification Sherloc (09022015). Collection method: clinical testing. Allele origin: germline.
Comment: This sequence change replaces lysine, which is basic and polar, with glutamic acid, which is acidic and polar, at codon 222 of the KRT25 protein (p.Lys222Glu). This variant is present in population databases (rs749543783, gnomAD 0.004%). This variant has not been reported in the literature in individuals affected with KRT25-related conditions. Invitae Evidence Modeling of protein sequence and biophysical properties (such as structural, functional, and spatial information, amino acid conservation, physicochemical variation, residue mobility, and thermodynamic stability) indicates that this missense variant is not expected to disrupt KRT25 protein function with a negative predictive value of 80%. In summary, the available evidence is currently insufficient to determine the role of this variant in disease. Therefore, it has been classified as a Variant of Uncertain Significance.